The following is an entry in ClinVar:

ClinVar aggregate classification (germline): Benign/Likely benign. Review status: criteria provided, multiple submitters, no conflicts (2 of 4 stars). 13 submissions from 13 submitters: Benign (6); Likely benign (3). 4 of the submissions do not count toward it. Last evaluated 2026-02-04.

Conditions:
Autosomal recessive polycystic kidney disease (ARPKD). Also called: AR polycystic kidney disease. Identifiers: Orphanet 731, Orphanet 8378, MedGen C0085548, MeSH D017044, MONDO:0009889.
Polycystic kidney disease. Also called: Polycystic kidney dysplasia; Kidney, Polycystic. Identifiers: MedGen C0022680, MeSH D007690, MONDO:0020642, HP:0000113.

Allele frequency attached by ClinVar (database versions not stated): gnomAD exomes 0.00182 and 0.00503; ExAC 0.00592; gnomAD 0.01708 and 0.01835; 1000 Genomes Project 0.01857; ESP Exome Variant Server 0.01899; 1000 Genomes Project 30x 0.01968; TOPMed 0.01998.
gnomAD v4.1: 5,358 of 1,614,004 alleles (0.33%); highest among the groups gnomAD compares: African/African-American, 5.8%; 136 homozygotes.

Submissions (13):

Labcorp Genetics (formerly Invitae), Labcorp
Classification: Benign for Autosomal recessive polycystic kidney disease. Last evaluated: 2026-02-04. Review status: criteria provided, single submitter. Criteria: Invitae Variant Classification Sherloc (09022015). Collection method: clinical testing. Allele origin: germline.

Blueprint Genetics
Classification: Likely benign. Last evaluated: 2024-11-12. Review status: criteria provided, single submitter. Criteria: ACMG Guidelines, 2015. Collection method: clinical testing. Allele origin: germline.

Mayo Clinic Laboratories, Mayo Clinic
Classification: Benign. Last evaluated: 2023-04-10. Review status: criteria provided, single submitter. Criteria: ACMG Guidelines, 2015. Collection method: clinical testing. Allele origin: germline. Observed: 18 variant alleles.

GeneDx
Classification: Benign. Last evaluated: 2020-06-23. Review status: criteria provided, single submitter. Criteria: GeneDx Variant Classification Process June 2021. Collection method: clinical testing. Allele origin: germline. Affected: yes.
Comment: This variant is associated with the following publications: (PMID: 15698423)

Illumina Laboratory Services, Illumina
Classification: Likely benign for Polycystic kidney disease 4. Last evaluated: 2017-04-27. Review status: criteria provided, single submitter. Criteria: ICSL Variant Classification Criteria 13 December 2019. Collection method: clinical testing. Allele origin: germline.
Comment: This variant was observed as part of a predisposition screen in an ostensibly healthy population. A literature search was performed for the gene, cDNA change, and amino acid change (where applicable). No publications were found based on this search. Allele frequency data from public databases allowed determination this variant is unlikely to cause disease. Therefore, this variant is classified as likely benign.

Women's Health and Genetics/Laboratory Corporation of America, LabCorp
Classification: Benign. Last evaluated: 2016-08-09. Review status: criteria provided, single submitter. Criteria: LabCorp Variant Classification Summary - May 2015. Collection method: clinical testing. Allele origin: germline.
Comment: Variant summary: The PKHD1 c.9577G>A (p.Val3193Ile) variant involves the alteration of a non-conserved nucleotide. 4/4 in silico tools predict a benign outcome for this variant. This variant was found in 720/121508 control chromosomes (including 12 homozygotes), predominantly observed in the African subpopulation at a frequency of 0.0612736 (637/10396). This frequency is about 9 times the estimated maximal expected allele frequency of a pathogenic PKHD1 variant (0.0070711). As this variant exceeds allele frequency of 5% in African population, it can be regarded a common benign polymorphism found in the populations of African origin. It has also been published as a polymorphism in literature from in a ARPKD patient/normal controls (Sharp_2005). In addition, multiple clinical diagnostic laboratories have classified this variant as benign. Taken together, this variant is classified as Benign.

Center for Pediatric Genomic Medicine, Children's Mercy Hospital and Clinics
Classification: Benign. Last evaluated: 2015-09-29. Review status: criteria provided, single submitter. Criteria: ACMG Guidelines, 2015. Collection method: clinical testing. Allele origin: germline.

Breakthrough Genomics
Classification: Likely benign. Review status: criteria provided, single submitter. Criteria: ACMG Guidelines, 2015. Collection method: not provided. Allele origin: germline. Inheritance: Autosomal recessive inheritance. Affected: yes.

PreventionGenetics, part of Exact Sciences
Classification: Benign. Review status: criteria provided, single submitter. Criteria: ACMG Guidelines, 2015. Collection method: clinical testing. Allele origin: germline.

Natera, Inc.
Classification: Benign for Autosomal recessive polycystic kidney disease. Last evaluated: 2017-06-30. Review status: no assertion criteria provided. Collection method: clinical testing. Allele origin: germline. Not counted in ClinVar's aggregate classification.

Department of Pathology and Laboratory Medicine, Sinai Health System
Classification: Benign for Polycystic Kidney disease. Review status: no assertion criteria provided. Collection method: clinical testing. Allele origin: unknown. Affected: yes. Study: The Canadian Open Genetics Repository (COGR). Not counted in ClinVar's aggregate classification.
Comment: The PKHD1 p.Val3193Ile variant was identified in 2 of 446 proband chromosomes (frequency: 0.004) from individuals with autosomal recessive polycystic kidney disease and 5 of 600 chromosomes (frequency: 0.008) from health individuals (Sharp 2005, Bergmann 2005). The variant was identified in dbSNP (rs35445653) as â€šÃ„Ãºother alleleâ€šÃ„Ã¹, ClinVar (classified as benign by Invitae, Integrated Genetics, Prevention Genetics and Children Mercy Hospital and likely benign by Illumina) an LOVD 3.0 (observed 2x). The variant was identified in control databases in 1787 of 282,242 chromosomes (38 homozygous) at a frequency of 0.006 (Genome Aggregation Database Feb 27, 2017) increasing the likelihood this could be a low frequency benign variant. The variant was observed in the following populations: African in 1522 of 24,938 chromosomes (freq: 0.06), Latino in 165 of 35,380 chromosomes (freq: 0.005), Other in 26 of 7208 chromosomes (freq: 0.004), South Asian in 11 of 30,616 chromosomes (freq: 0.0004), European in 57 of 128,682 chromosomes (freq: 0.0004), and East Asian in 6 of 19,946 chromosomes (freq: 0.0003); it was not observed in the Ashkenazi Jewish or Finnish populations. The p.Val3193 residue is conserved in in mammals but not in more distantly related organisms however computational analyses (PolyPhen-2, SIFT, AlignGVGD, BLOSUM, MutationTaster) do not suggest a high likelihood of impact to the protein; this information is not predictive enough to rule out pathogenicity. The variant occurs outside of the splicing consensus sequence and in silico or computational prediction software programs (SpliceSiteFinder, MaxEntScan, NNSPLICE, GeneSplicer) do not predict a difference in splicing. In summary, based on the above information, this variant meets our laboratory criteria to be classified as benign.

Genome Diagnostics Laboratory, University Medical Center Utrecht
Classification: Benign. Review status: no assertion criteria provided. Collection method: clinical testing. Allele origin: germline. Affected: yes. Study: VKGL Data-share Consensus. Not counted in ClinVar's aggregate classification.

Laboratory of Diagnostic Genome Analysis, Leiden University Medical Center (LUMC)
Classification: Benign. Review status: no assertion criteria provided. Collection method: clinical testing. Allele origin: germline. Affected: yes. Study: VKGL Data-share Consensus. Not counted in ClinVar's aggregate classification.

Literature cited by the submitters: PubMed 15805161 (cited by Women's Health and Genetics/Laboratory Corporation of America, LabCorp); PubMed 15698423 (cited by Women's Health and Genetics/Laboratory Corporation of America, LabCorp).

NM_138694.4(PKHD1):c.9577G>A (p.Val3193Ile)

Gene: PKHD1 (PKHD1 ciliary IPT domain containing fibrocystin/polyductin; minus strand). Cytogenetic location: 6p12.3.
Variant type: single nucleotide variant.
Coding change: c.9577G>A on transcript NM_138694.4 (MANE Select); coding-DNA position 9577, G replaced by A.
Protein change: p.Val3193Ile; replaces valine 3193 with isoleucine.
Molecular consequence: missense variant.
Genome position (GRCh38, 1-based): chr6:51,748,039, C>T on the plus strand (G>A on the coding strand, the complement: PKHD1 is on the minus strand). VCF-style: chr6-51748039-C-T. GRCh37 (hg19) VCF-style: chr6-51612837-C-T.
Other names: p.Val3193Ile; c.9577G>A, p.Val3193Ile (NM_170724.3); short protein forms V3193I.
Identifiers: ClinVar variation 220094 (VCV000220094.29), dbSNP rs35445653, ClinGen allele CA348314.